The following is an entry in ClinVar:

NM_015559.3(SETBP1):c.3852G>T (p.Met1284Ile)

Gene: SETBP1 (SET binding protein 1; plus strand). Cytogenetic location: 18q12.3.
Variant type: single nucleotide variant.
Coding change: c.3852G>T on transcript NM_015559.3 (MANE Select); coding-DNA position 3852, G replaced by T.
Protein change: p.Met1284Ile; replaces methionine 1284 with isoleucine.
Molecular consequence: missense variant.
Genome position (GRCh38, 1-based): chr18:44,953,192, G>T. VCF-style: chr18-44953192-G-T. GRCh37 (hg19) VCF-style: chr18-42533157-G-T.
Other names: c.3852G>T, p.Met1284Ile (NM_001379141.1, NM_001379142.1, NM_001410862.1); short protein forms M1284I.
Identifiers: ClinVar variation 2630602 (VCV002630602.1), dbSNP rs777990604, ClinGen allele CA8946003.
Genomic context (GRCh38, chr18:44,953,192, plus strand): 5'-TGGCAGTGGCGGGGATGGTGGCAGCACGAGATCAGAGAACCTGGACGTGTTCAGTGAAAT[G>T]AACCCTTCGAATGACAAGTGGGACAGTGACGTGAGTGGGAGTAAAAGGAGGAGCTATGAA-3'
Protein context (NP_056374.2, residues 1274-1294): RSENLDVFSE[Met1284Ile]NPSNDKWDSD

ClinVar aggregate classification (germline): Uncertain significance (1 of 4 stars; one submission).

Conditions:
SETBP1-related disorder. Also called: SETBP1-related condition; SETBP1-related disorders.

Allele frequency attached by ClinVar (database versions not stated): gnomAD exomes below 0.00001; ExAC 0.00001.

Submission:

PreventionGenetics, part of Exact Sciences
Classification: Uncertain significance for SETBP1-related condition. Last evaluated: 2023-01-31. Review status: criteria provided, single submitter. Criteria: ACMG Guidelines, 2015. Collection method: clinical testing. Allele origin: germline.
Comment: The SETBP1 c.3852G>T variant is predicted to result in the amino acid substitution p.Met1284Ile. To our knowledge, this variant has not been reported in the literature. This variant is reported in 0.00089% of alleles in individuals of European (Non-Finnish) descent in gnomAD. At this time, the clinical significance of this variant is uncertain due to the absence of conclusive functional and genetic evidence.